The following is an entry in ClinVar:

ClinVar aggregate classification (germline): Uncertain significance (1 of 4 stars; one submission).

Conditions:
Hereditary cancer-predisposing syndrome. Also called: Tumor predisposition; Hereditary Cancer Syndrome; Hereditary neoplastic syndrome; Neoplastic Syndromes, Hereditary. Identifiers: Orphanet 140162, MedGen C0027672, MeSH D009386, MONDO:0015356.

Submissions (2):

Ambry Genetics
Classification: Uncertain significance for Hereditary cancer-predisposing syndrome. Last evaluated: 2019-03-11. Review status: criteria provided, single submitter. Criteria: Ambry Variant Classification Scheme 2023. Collection method: clinical testing. Allele origin: germline.
Comment: The p.N1730T variant (also known as c.5189A>C), located in coding exon 17 of the BRCA1 gene, results from an A to C substitution at nucleotide position 5189. The asparagine at codon 1730 is replaced by threonine, an amino acid with similar properties. This amino acid position is poorly conserved in available vertebrate species. In addition, the in silico prediction for this alteration is inconclusive. Since supporting evidence is limited at this time, the clinical significance of this alteration remains unclear.

Brotman Baty Institute, University of Washington
No classification provided (evidence only). Condition: Breast-ovarian cancer, familial 1. Review status: no classification provided. Collection method: in vitro. Allele origin: not applicable. Functional consequence: functionally_normal. Not counted in ClinVar's aggregate classification.
ClinVar note: "not provided" was previously submitted as the classification for the variant. However, the classification appeared to be based only on an observation of functional data so it was converted to no classification on 2025-07-30.

NM_007294.4(BRCA1):c.5189A>C (p.Asn1730Thr)

Gene: BRCA1 (BRCA1 DNA repair associated; minus strand). Cytogenetic location: 17q21.31.
Variant type: single nucleotide variant.
Coding change: c.5189A>C on transcript NM_007294.4 (MANE Select); coding-DNA position 5189, A replaced by C.
Protein change: p.Asn1730Thr; replaces asparagine 1730 with threonine.
Molecular consequence: missense variant. On other transcripts: non-coding transcript variant (1).
Genome position (GRCh38, 1-based): chr17:43,063,337, T>G on the plus strand (A>C on the coding strand, the complement: BRCA1 is on the minus strand). VCF-style: chr17-43063337-T-G. GRCh37 (hg19) VCF-style: chr17-41215354-T-G.
Other names: c.4976A>C, p.Asn1659Thr (NM_001407571.1, NM_001407900.1, NM_001407902.1 and 12 more transcripts); c.5255A>C, p.Asn1752Thr (NM_001407581.1, NM_001407582.1); c.5252A>C, p.Asn1751Thr (NM_001407583.1, NM_001407585.1, NM_001407587.1 and 1 more transcripts); c.5186A>C, p.Asn1729Thr (NM_001407610.1, NM_001407611.1, NM_001407612.1 and 17 more transcripts); c.5183A>C, p.Asn1728Thr (NM_001407629.1, NM_001407630.1, NM_001407631.1 and 14 more transcripts); c.5129A>C, p.Asn1710Thr (NM_001407649.1); c.5111A>C, p.Asn1704Thr (NM_001407652.1, NM_001407653.1, NM_001407654.1 and 1 more transcripts); c.5108A>C, p.Asn1703Thr (NM_001407656.1, NM_001407657.1, NM_001407658.1); and 72 more; short protein forms N1730T, N1751T, N626T, N1683T, N1433T, N1602T, N1618T, N1641T.
Identifiers: ClinVar variation 865097 (VCV000865097.5), dbSNP rs80357171, ClinGen allele CA10591164.
Genomic context (GRCh38, chr17:43,063,337, plus strand): 5'-TTTAACTATATGACTGAATGAATATCTCTGGTTAGTTTGTAACATCAAGTACTTACCTCA[T>G]TCAGCATTTTTCTTTCTTTAATAGACTGGGTCACCCCTAAAGAGATCATAGAAAAGACAG-3'
Protein context (NP_009225.1, residues 1720-1740): TQSIKERKML[Asn1730Thr]EHDFEVRGDV